The following is an entry in ClinVar:

NM_003560.4(PLA2G6):c.1670dup (p.Pro559fs)

Gene: PLA2G6 (phospholipase A2 group VI; minus strand). Cytogenetic location: 22q13.1.
Variant type: Duplication.
Coding change: c.1670dup on transcript NM_003560.4 (MANE Select); coding-DNA position 1670, one base duplicated (C; older notation c.1670dupC).
Protein change: p.Pro559fs; shifts the reading frame from proline 559.
Molecular consequence: frameshift variant.
Genome position (GRCh38, 1-based): chr22:38,120,831, G duplicated on the plus strand (C on the coding strand, the reverse complement: PLA2G6 is on the minus strand). VCF-style (leftmost placement, unchanged base first): chr22-38120830-C-CG. GRCh37 (hg19) VCF-style: chr22-38516837-C-CG.
Other names: c.974dup, p.Pro327fs (NM_001349869.2); c.1508dup, p.Pro505fs (NM_001004426.3, NM_001199562.3, NM_001349865.2 and 1 more transcripts); c.1670dup, p.Pro559fs (NM_001349864.2); c.1136dup, p.Pro381fs (NM_001349867.2); c.992dup, p.Pro333fs (NM_001349868.2); short protein forms P327fs, P381fs, P505fs, P333fs, P559fs.
Identifiers: ClinVar variation 2745815 (VCV002745815.3), dbSNP rs2517951495, ClinGen allele CA2697552760.

ClinVar aggregate classification (germline): Pathogenic (1 of 4 stars; one submission).

Conditions:
Infantile neuroaxonal dystrophy (NBIA2A). Also called: NEURODEGENERATION WITH BRAIN IRON ACCUMULATION 2A; SEITELBERGER DISEASE; Infantile neuroaxonal dystrophy 1. Identifiers: Orphanet 35069, MedGen C0270724, MONDO:0024457, OMIM 256600.

Submission:

Labcorp Genetics (formerly Invitae), Labcorp
Classification: Pathogenic for Infantile neuroaxonal dystrophy. Last evaluated: 2023-07-22. Review status: criteria provided, single submitter. Criteria: Invitae Variant Classification Sherloc (09022015). Collection method: clinical testing. Allele origin: germline.
Comment: This sequence change creates a premature translational stop signal (p.Pro559Alafs*32) in the PLA2G6 gene. It is expected to result in an absent or disrupted protein product. Loss-of-function variants in PLA2G6 are known to be pathogenic (PMID: 16783378, 18570303, 18799783, 22213678). This variant is not present in population databases (gnomAD no frequency). This variant has not been reported in the literature in individuals affected with PLA2G6-related conditions. For these reasons, this variant has been classified as Pathogenic.

Literature cited by the submitters: PubMed 16783378; PubMed 18570303; PubMed 18799783; PubMed 22213678.